The following is an entry in ClinVar:

ClinVar aggregate classification (germline): Uncertain significance (1 of 4 stars; one submission).

Conditions:
Hereditary cancer-predisposing syndrome. Also called: Neoplastic Syndromes, Hereditary; Tumor predisposition; Hereditary Cancer Syndrome; Hereditary neoplastic syndrome. Identifiers: Orphanet 140162, MedGen C0027672, MeSH D009386, MONDO:0015356.

Submission:

Ambry Genetics
Classification: Uncertain significance for Hereditary cancer-predisposing syndrome. Last evaluated: 2025-12-06. Review status: criteria provided, single submitter. Criteria: Ambry Variant Classification Scheme 2023. Collection method: clinical testing. Allele origin: germline.
Comment: The p.E80K variant (also known as c.238G>A), located in coding exon 3 of the NBN gene, results from a G to A substitution at nucleotide position 238. The glutamic acid at codon 80 is replaced by lysine, an amino acid with similar properties. This amino acid position is conserved. In addition, this alteration is predicted to be tolerated by in silico analysis. Based on the available evidence, the clinical significance of this variant remains unclear.

NM_002485.5(NBN):c.238G>A (p.Glu80Lys)

Gene: NBN (nibrin; minus strand). Cytogenetic location: 8q21.3.
Variant type: single nucleotide variant.
Coding change: c.238G>A on transcript NM_002485.5 (MANE Select); coding-DNA position 238, G replaced by A.
Protein change: p.Glu80Lys; replaces glutamic acid 80 with lysine.
Molecular consequence: missense variant. On other transcripts: 5 prime UTR variant (3).
Genome position (GRCh38, 1-based): chr8:89,981,457, C>T on the plus strand (G>A on the coding strand, the complement: NBN is on the minus strand). VCF-style: chr8-89981457-C-T. GRCh37 (hg19) VCF-style: chr8-90993685-C-T.
Other names: c.-9G>A (NM_001024688.3, NM_001440379.1, NM_001440380.1); short protein forms E80K.
Identifiers: ClinVar variation 4660759 (VCV004660759.1).